The following is an entry in ClinVar:

NM_000305.3(PON2):c.698A>G (p.Tyr233Cys)

Genes: ASB4 (ankyrin repeat and SOCS box containing 4; plus strand), PON2 (paraoxonase 2; minus strand), LOC107986822 (uncharacterized LOC107986822; plus strand). Cytogenetic location: 7q21.3.
Variant type: single nucleotide variant.
Coding change: c.698A>G on transcript NM_000305.3 (MANE Select); coding-DNA position 698, A replaced by G.
Protein change: p.Tyr233Cys; replaces tyrosine 233 with cysteine.
Molecular consequence: missense variant.
Genome position (GRCh38, 1-based): chr7:95,407,066, T>C on the plus strand (A>G on the coding strand, the complement: PON2 is on the minus strand). VCF-style: chr7-95407066-T-C. GRCh37 (hg19) VCF-style: chr7-95036378-T-C.
Other names: c.662A>G, p.Tyr221Cys (NM_001018161.2); short protein forms Y221C, Y233C.
Identifiers: ClinVar variation 2682268 (VCV002682268.1), dbSNP rs374047966, ClinGen allele CA4350983.

ClinVar aggregate classification (germline): Uncertain significance (1 of 4 stars; one submission).

Allele frequency attached by ClinVar (database versions not stated): ESP Exome Variant Server 0.00008; gnomAD exomes below 0.00001; ExAC 0.00001; gnomAD 0.00001; TOPMed 0.00001.
gnomAD v4.1: 3 of 1,586,220 alleles (0.00019%); highest among the groups gnomAD compares: Non-Finnish European, 0.00026%; no homozygotes.

Submission:

Women's Health and Genetics/Laboratory Corporation of America, LabCorp
Classification: Uncertain significance. Last evaluated: 2023-11-27. Review status: criteria provided, single submitter. Criteria: LabCorp Variant Classification Summary - May 2015. Collection method: clinical testing. Allele origin: germline.
Comment: Variant summary: PON2 c.698A>G (p.Tyr233Cys) results in a non-conservative amino acid change in the encoded protein sequence. Four of five in-silico tools predict a damaging effect of the variant on protein function. The variant allele was found at a frequency of 4e-06 in 248442 control chromosomes (gnomAD). The available data on variant occurrences in the general population are insufficient to allow any conclusion about variant significance. To our knowledge, no occurrence of c.698A>G in individuals affected with Early Onset Coronary Artery Disease and no experimental evidence demonstrating its impact on protein function have been reported. No submitters have cited clinical-significance assessments for this variant to ClinVar after 2014. Based on the evidence outlined above, the variant was classified as uncertain significance.